The following is an entry in ClinVar:

ClinVar aggregate classification (germline): Uncertain significance (1 of 4 stars; one submission).

gnomAD v4.1: 3 of 1,527,078 alleles (0.0002%); highest among the groups gnomAD compares: South Asian, 0.0012%; no homozygotes.

Submission:

Labcorp Genetics (formerly Invitae), Labcorp
Classification: Uncertain significance. Last evaluated: 2026-01-12. Review status: criteria provided, single submitter. Criteria: Invitae Variant Classification Sherloc (09022015). Collection method: clinical testing. Allele origin: germline.
Comment: This sequence change replaces proline, which is neutral and non-polar, with leucine, which is neutral and non-polar, at codon 88 of the ADCY5 protein (p.Pro88Leu). This variant is not present in population databases (gnomAD no frequency). This variant has not been reported in the literature in individuals affected with ADCY5-related conditions. Invitae Evidence Modeling of protein sequence and biophysical properties (such as structural, functional, and spatial information, amino acid conservation, physicochemical variation, residue mobility, and thermodynamic stability) indicates that this missense variant is not expected to disrupt ADCY5 protein function with a negative predictive value of 95%. In summary, the available evidence is currently insufficient to determine the role of this variant in disease. Therefore, it has been classified as a Variant of Uncertain Significance.

NM_183357.3(ADCY5):c.263C>T (p.Pro88Leu)

Gene: ADCY5 (adenylate cyclase 5; minus strand). Cytogenetic location: 3q21.1.
Variant type: single nucleotide variant.
Coding change: c.263C>T on transcript NM_183357.3 (MANE Select); coding-DNA position 263, C replaced by T.
Protein change: p.Pro88Leu; replaces proline 88 with leucine.
Molecular consequence: missense variant.
Genome position (GRCh38, 1-based): chr3:123,448,283, G>A on the plus strand (C>T on the coding strand, the complement: ADCY5 is on the minus strand). VCF-style: chr3-123448283-G-A. GRCh37 (hg19) VCF-style: chr3-123167130-G-A.
Other names: c.263C>T, p.Pro88Leu (NM_001378259.1); short protein forms P88L.
Identifiers: ClinVar variation 4754116 (VCV004754116.1).